The following is an entry in ClinVar:

ClinVar aggregate classification (germline): Conflicting classifications of pathogenicity. Review status: criteria provided, conflicting classifications (1 of 4 stars). 3 submissions from 3 submitters: Uncertain significance (2); Likely benign (1). Last evaluated 2024-01-04.

Conditions:
Inborn genetic diseases. Identifiers: MedGen C0950123, MeSH D030342.

Allele frequency attached by ClinVar (database versions not stated): ExAC 0.00004.
gnomAD v4.1: 94 of 1,613,852 alleles (0.0058%); highest among the groups gnomAD compares: Non-Finnish European, 0.0069%; no homozygotes.

Submissions (3):

Ambry Genetics
Classification: Likely benign for Inborn genetic diseases. Last evaluated: 2024-01-04. Review status: criteria provided, single submitter. Criteria: Ambry Variant Classification Scheme 2023. Collection method: clinical testing. Allele origin: germline.

Labcorp Genetics (formerly Invitae), Labcorp
Classification: Uncertain significance. Last evaluated: 2022-06-19. Review status: criteria provided, single submitter. Criteria: Invitae Variant Classification Sherloc (09022015). Collection method: clinical testing. Allele origin: germline.
Comment: This sequence change replaces valine, which is neutral and non-polar, with isoleucine, which is neutral and non-polar, at codon 366 of the NARS2 protein (p.Val366Ile). This variant is present in population databases (rs765813020, gnomAD 0.01%). This variant has not been reported in the literature in individuals affected with NARS2-related conditions. ClinVar contains an entry for this variant (Variation ID: 1335082). Algorithms developed to predict the effect of missense changes on protein structure and function output the following: SIFT: "Deleterious"; PolyPhen-2: "Benign"; Align-GVGD: "Class C25". The isoleucine amino acid residue is found in multiple mammalian species, which suggests that this missense change does not adversely affect protein function. In summary, the available evidence is currently insufficient to determine the role of this variant in disease. Therefore, it has been classified as a Variant of Uncertain Significance.

CeGaT Center for Human Genetics Tuebingen
Classification: Uncertain significance. Last evaluated: 2021-11-01. Review status: criteria provided, single submitter. Criteria: CeGaT Center For Human Genetics Tuebingen Variant Classification Criteria Version 2. Collection method: clinical testing. Allele origin: germline. Affected: yes. Observed: 1 variant allele.

NM_024678.6(NARS2):c.1096G>A (p.Val366Ile)

Gene: NARS2 (asparaginyl-tRNA synthetase 2, mitochondrial; minus strand). Cytogenetic location: 11q14.1.
Variant type: single nucleotide variant.
Coding change: c.1096G>A on transcript NM_024678.6 (MANE Select); coding-DNA position 1096, G replaced by A.
Protein change: p.Val366Ile; replaces valine 366 with isoleucine.
Molecular consequence: missense variant.
Genome position (GRCh38, 1-based): chr11:78,465,944, C>T on the plus strand (G>A on the coding strand, the complement: NARS2 is on the minus strand). VCF-style: chr11-78465944-C-T. GRCh37 (hg19) VCF-style: chr11-78176990-C-T.
Other names: c.415G>A, p.Val139Ile (NM_001243251.2); c.1096G>A (NM_024678.5); short protein forms V139I, V366I.
Identifiers: ClinVar variation 1335082 (VCV001335082.37), dbSNP rs765813020, ClinGen allele CA6205585.